The following is an entry in ClinVar:

NM_001376.5(DYNC1H1):c.2194G>A (p.Val732Met)

Gene: DYNC1H1 (dynein cytoplasmic 1 heavy chain 1; plus strand). Cytogenetic location: 14q32.31.
Variant type: single nucleotide variant.
Coding change: c.2194G>A on transcript NM_001376.5 (MANE Select); coding-DNA position 2194, G replaced by A.
Protein change: p.Val732Met; replaces valine 732 with methionine.
Molecular consequence: missense variant.
Genome position (GRCh38, 1-based): chr14:101,986,419, G>A. VCF-style: chr14-101986419-G-A. GRCh37 (hg19) VCF-style: chr14-102452756-G-A.
Other names: short protein forms V732M.
Identifiers: ClinVar variation 2813957 (VCV002813957.3), dbSNP rs2503695640, ClinGen allele CA391021586.

ClinVar aggregate classification (germline): Uncertain significance (1 of 4 stars; one submission).

Conditions:
Charcot-Marie-Tooth disease axonal type 2O. Also called: Charcot-Marie-Tooth disease, axonal, type 20; CHARCOT-MARIE-TOOTH NEUROPATHY, AXONAL, TYPE 2O; CHARCOT-MARIE-TOOTH DISEASE, AXONAL, AUTOSOMAL DOMINANT, TYPE 2O; Charcot-Marie-Tooth Neuropathy Type 2O. Identifiers: Orphanet 284232, MedGen C3280220, MONDO:0013644, OMIM 614228.

Submission:

Labcorp Genetics (formerly Invitae), Labcorp
Classification: Uncertain significance for Charcot-Marie-Tooth disease axonal type 2O. Last evaluated: 2022-11-12. Review status: criteria provided, single submitter. Criteria: Invitae Variant Classification Sherloc (09022015). Collection method: clinical testing. Allele origin: germline.
Comment: This sequence change replaces valine, which is neutral and non-polar, with methionine, which is neutral and non-polar, at codon 732 of the DYNC1H1 protein (p.Val732Met). This variant is not present in population databases (gnomAD no frequency). This variant has not been reported in the literature in individuals affected with DYNC1H1-related conditions. Advanced modeling of protein sequence and biophysical properties (such as structural, functional, and spatial information, amino acid conservation, physicochemical variation, residue mobility, and thermodynamic stability) performed at Invitae indicates that this missense variant is not expected to disrupt DYNC1H1 protein function. In summary, the available evidence is currently insufficient to determine the role of this variant in disease. Therefore, it has been classified as a Variant of Uncertain Significance.